The following is an entry in ClinVar:

NM_002691.4(POLD1):c.906G>C (p.Gly302=)

Gene: POLD1 (DNA polymerase delta 1, catalytic subunit; plus strand). Cytogenetic location: 19q13.33.
Variant type: single nucleotide variant.
Coding change: c.906G>C on transcript NM_002691.4 (MANE Select); coding-DNA position 906, G replaced by C.
Protein change: p.Gly302=; no amino-acid change (glycine 302 retained).
Molecular consequence: synonymous variant. On other transcripts: non-coding transcript variant (1).
Genome position (GRCh38, 1-based): chr19:50,402,677, G>C. VCF-style: chr19-50402677-G-C. GRCh37 (hg19) VCF-style: chr19-50905934-G-C.
Other names: c.906G>C, p.Gly302= (NM_001256849.1, NM_001308632.1).
Identifiers: ClinVar variation 1765667 (VCV001765667.3), dbSNP rs2513969228, ClinGen allele CA508181978.

ClinVar aggregate classification (germline): Benign/Likely benign. Review status: criteria provided, multiple submitters, no conflicts (2 of 4 stars). 2 submissions from 2 submitters: Benign (1); Likely benign (1). Last evaluated 2025-02-05.

Conditions:
Hereditary cancer-predisposing syndrome. Also called: Neoplastic Syndromes, Hereditary; Tumor predisposition; Hereditary neoplastic syndrome; Hereditary Cancer Syndrome. Identifiers: Orphanet 140162, MedGen C0027672, MeSH D009386, MONDO:0015356.
POLD1-related polyposis and colorectal cancer syndrome (CRCS10). Also called: COLORECTAL CANCER, SUSCEPTIBILITY TO, ON CHROMOSOME 19q; Colorectal cancer 10; Colorectal cancer, susceptibility to, 10. Identifiers: Orphanet 220460, MedGen C2675481, MONDO:0012953, OMIM 612591.

Submissions (2):

Myriad Genetics, Inc.
Classification: Benign for POLD1-related polyposis and colorectal cancer syndrome. Last evaluated: 2025-02-05. Review status: criteria provided, single submitter. Criteria: Myriad Autosomal Dominant, Autosomal Recessive and X-Linked Classification Criteria (2023). Collection method: clinical testing. Allele origin: unknown.
Comment: This variant is considered benign. This variant is a silent/synonymous amino acid change and it is not expected to impact splicing.

Ambry Genetics
Classification: Likely benign for Hereditary cancer-predisposing syndrome. Last evaluated: 2021-01-07. Review status: criteria provided, single submitter. Criteria: Ambry Variant Classification Scheme 2023. Collection method: clinical testing. Allele origin: germline.